The following is an entry in ClinVar:

NM_000384.3(APOB):c.7658G>A (p.Trp2553Ter)

Gene: APOB (apolipoprotein B; minus strand). Cytogenetic location: 2p24.1.
Variant type: single nucleotide variant.
Coding change: c.7658G>A on transcript NM_000384.3 (MANE Select); coding-DNA position 7658, G replaced by A.
Protein change: p.Trp2553Ter; replaces tryptophan 2553 with a stop codon.
Molecular consequence: nonsense.
Genome position (GRCh38, 1-based): chr2:21,009,210, C>T on the plus strand (G>A on the coding strand, the complement: APOB is on the minus strand). VCF-style: chr2-21009210-C-T. GRCh37 (hg19) VCF-style: chr2-21232082-C-T.
Other names: short protein forms W2553*.
Identifiers: ClinVar variation 3775164 (VCV003775164.1).

ClinVar aggregate classification (germline): Pathogenic (1 of 4 stars; one submission).

Conditions:
Familial hypobetalipoproteinemia 1. Also called: Hypobetalipoproteinemia, normotriglyceridemic; Acanthocytosis with hypobetalipoproteinemia; APOB-Related Familial Hypobetalipoproteinemia. Identifiers: MedGen C4551990, MONDO:0014252, OMIM 615558.

Submission:

Genomics, Clalit Research Institute, Clalit Health Care
Classification: Pathogenic for Familial hypobetalipoproteinemia 1. Last evaluated: 2025-02-02. Review status: criteria provided, single submitter. Criteria: ACMG Guidelines, 2015. Collection method: clinical testing. Allele origin: germline. Inheritance: Autosomal dominant inheritance. Affected: yes. Observed: 1 heterozygote.
Comment: Frequency: The variant is absent from the gnomAD reference population dataset. Variant type: Null variant (stop gain) in a gene where LOF is a known mechanism of disease. Predicted to undergo NMD.